The following is an entry in ClinVar:

NM_001042432.2(CLN3):c.500T>A (p.Val167Asp)

Gene: CLN3 (CLN3 lysosomal/endosomal transmembrane protein, battenin; minus strand). Cytogenetic location: 16p12.1.
Variant type: single nucleotide variant.
Coding change: c.500T>A on transcript NM_001042432.2 (MANE Select); coding-DNA position 500, T replaced by A.
Protein change: p.Val167Asp; replaces valine 167 with aspartic acid.
Molecular consequence: missense variant.
Genome position (GRCh38, 1-based): chr16:28,486,611, A>T on the plus strand (T>A on the coding strand, the complement: CLN3 is on the minus strand). VCF-style: chr16-28486611-A-T. GRCh37 (hg19) VCF-style: chr16-28497932-A-T.
Other names: c.500T>A, p.Val167Asp (NM_000086.2); c.428T>A, p.Val143Asp (NM_001286104.2); c.200T>A, p.Val67Asp (NM_001286105.2); c.266T>A, p.Val89Asp (NM_001286109.2); c.338T>A, p.Val113Asp (NM_001286110.2); short protein forms V113D, V143D, V167D, V67D, V89D.
Identifiers: ClinVar variation 1395916 (VCV001395916.10), dbSNP rs1418465028, ClinGen allele CA395345678.
Genomic context (GRCh38, chr16:28,486,611, plus strand): 5'-CCCACACTCCCTGCTCCACCTGCTTACCTGGGGTAGAAGGCAGTGAGGGAGAGGAAGGTG[A>T]CCTCCCCAAGGCCTGATGAGATGCTAGCGAAGACCACACCTGGGGGGAGGACAAGCACTG-3'
Protein context (NP_001035897.1, residues 157-177): FASISSGLGE[Val167Asp]TFLSLTAFYP

ClinVar aggregate classification (germline): Likely pathogenic. Review status: criteria provided, multiple submitters, no conflicts (2 of 4 stars). 3 submissions from 3 submitters: Likely pathogenic (3). Last evaluated 2024-02-29.

Conditions:
Neuronal ceroid lipofuscinosis. Also called: Neuronal Ceroid Lipofuscinoses. Identifiers: Orphanet 216, Orphanet 79263, MedGen C0027877, MONDO:0016295. Disease mechanism: loss of function.
Neuronal ceroid lipofuscinosis 3 (CLN3). Identifiers: Orphanet 228346, MedGen C0751383, MONDO:0008767, OMIM 204200.
CLN3-related disorders.

gnomAD v4.1: 2 of 1,611,072 alleles (0.00012%); highest among the groups gnomAD compares: Admixed American, 0.0017%; no homozygotes.

Submissions (3):

Fulgent Genetics
Classification: Likely pathogenic for Neuronal ceroid lipofuscinosis 3. Last evaluated: 2024-02-29. Review status: criteria provided, single submitter. Criteria: ACMG Guidelines, 2015. Collection method: clinical testing. Allele origin: germline.

Labcorp Genetics (formerly Invitae), Labcorp
Classification: Likely pathogenic for Neuronal ceroid lipofuscinosis. Last evaluated: 2024-02-02. Review status: criteria provided, single submitter. Criteria: Invitae Variant Classification Sherloc (09022015). Collection method: clinical testing. Allele origin: germline.
Comment: This sequence change replaces valine, which is neutral and non-polar, with aspartic acid, which is acidic and polar, at codon 167 of the CLN3 protein (p.Val167Asp). This variant is present in population databases (no rsID available, gnomAD 0.01%). This missense change has been observed in individual(s) with clinical features of retinitis pigmentosa (Invitae). In at least one individual the data is consistent with being in trans (on the opposite chromosome) from a pathogenic variant. ClinVar contains an entry for this variant (Variation ID: 1395916). Advanced modeling of protein sequence and biophysical properties (such as structural, functional, and spatial information, amino acid conservation, physicochemical variation, residue mobility, and thermodynamic stability) performed at Invitae indicates that this missense variant is not expected to disrupt CLN3 protein function with a negative predictive value of 80%. In summary, the currently available evidence indicates that the variant is pathogenic, but additional data are needed to prove that conclusively. Therefore, this variant has been classified as Likely Pathogenic.

Blueprint Genetics
Classification: Likely pathogenic for CLN3-related disorders. Last evaluated: 2022-09-27. Review status: criteria provided, single submitter. Criteria: ACMG Guidelines, 2015. Collection method: clinical testing. Allele origin: germline. Affected: yes. Observed: 2 variant alleles.